The following is an entry in ClinVar:

NM_007294.4(BRCA1):c.2386A>G (p.Thr796Ala)

Gene: BRCA1 (BRCA1 DNA repair associated; minus strand). Cytogenetic location: 17q21.31.
Variant type: single nucleotide variant.
Coding change: c.2386A>G on transcript NM_007294.4 (MANE Select); coding-DNA position 2386, A replaced by G.
Protein change: p.Thr796Ala; replaces threonine 796 with alanine.
Molecular consequence: missense variant. On other transcripts: intron variant (137).
Genome position (GRCh38, 1-based): chr17:43,093,145, T>C on the plus strand (A>G on the coding strand, the complement: BRCA1 is on the minus strand). VCF-style: chr17-43093145-T-C. GRCh37 (hg19) VCF-style: chr17-41245162-T-C.
Other names: c.2263A>G, p.Thr755Ala (NM_001407682.1, NM_001407683.1, NM_001407863.1 and 19 more transcripts); c.2386A>G, p.Thr796Ala (NM_001407684.1, NM_001407854.1, NM_001407858.1 and 30 more transcripts); c.2260A>G, p.Thr754Ala (NM_001407685.1, NM_001407686.1, NM_001407687.1 and 11 more transcripts); c.2245A>G, p.Thr749Ala (NM_001407692.1, NM_001407694.1, NM_001407695.1 and 29 more transcripts); c.2242A>G, p.Thr748Ala (NM_001407740.1, NM_001407741.1, NM_001407742.1 and 20 more transcripts); c.2173A>G, p.Thr725Ala (NM_001407853.1, NM_001407894.1, NM_001407895.1 and 9 more transcripts); c.2383A>G, p.Thr795Ala (NM_001407860.1, NM_001407861.1, NM_001407587.1 and 22 more transcripts); c.2185A>G, p.Thr729Ala (NM_001407862.1); and 41 more; short protein forms T500A, T628A, T668A, T669A, T684A, T685A, T707A, T708A.
Identifiers: ClinVar variation 2682152 (VCV002682152.1), dbSNP rs2154380412, ClinGen allele CA10597235.

ClinVar aggregate classification (germline): Uncertain significance (1 of 4 stars; one submission).

Submission:

Quest Diagnostics Nichols Institute San Juan Capistrano
Classification: Uncertain significance. Last evaluated: 2023-06-19. Review status: criteria provided, single submitter. Criteria: Quest Diagnostics criteria. Collection method: clinical testing. Allele origin: unknown.
Comment: To the best of our knowledge, this variant has not been reported in the published literature. It also has not been reported in large, multi-ethnic general populations (Genome Aggregation Database). Analysis of this variant using bioinformatics tools for the prediction of the effect of amino acid changes on protein structure and function yielded conflicting predictions that this variant is benign or damaging. Based on the available information, we are unable to determine the clinical significance of this variant.